The following is an entry in ClinVar:

NM_021939.4(FKBP10):c.427G>A (p.Asp143Asn)

Gene: FKBP10 (FKBP prolyl isomerase 10; plus strand). Cytogenetic location: 17q21.2.
Variant type: single nucleotide variant.
Coding change: c.427G>A on transcript NM_021939.4 (MANE Select); coding-DNA position 427, G replaced by A.
Protein change: p.Asp143Asn; replaces aspartic acid 143 with asparagine.
Molecular consequence: missense variant.
Genome position (GRCh38, 1-based): chr17:41,818,124, G>A. VCF-style: chr17-41818124-G-A. GRCh37 (hg19) VCF-style: chr17-39974376-G-A.
Other names: short protein forms D143N.
Identifiers: ClinVar variation 2206507 (VCV002206507.4), dbSNP rs112131529, ClinGen allele CA8566244.

ClinVar aggregate classification (germline): Uncertain significance. Review status: criteria provided, multiple submitters, no conflicts (2 of 4 stars). 2 submissions from 2 submitters: Uncertain significance (2). Last evaluated 2025-09-22.

Conditions:
Inborn genetic diseases. Identifiers: MedGen C0950123, MeSH D030342.

Allele frequency attached by ClinVar (database versions not stated): ExAC 0.00001; TOPMed 0.00007; ESP Exome Variant Server 0.00008; gnomAD exomes 0.00001; gnomAD 0.00005.
gnomAD v4.1: 28 of 1,613,586 alleles (0.0017%); highest among the groups gnomAD compares: African/African-American, 0.015%; no homozygotes.

Submissions (2):

Ambry Genetics
Classification: Uncertain significance for Inborn genetic diseases. Last evaluated: 2025-09-22. Review status: criteria provided, single submitter. Criteria: Ambry Variant Classification Scheme 2023. Collection method: clinical testing. Allele origin: germline.

GeneDx
Classification: Uncertain significance. Last evaluated: 2025-06-23. Review status: criteria provided, single submitter. Criteria: GeneDx Variant Classification Process June 2021. Collection method: clinical testing. Allele origin: germline. Affected: yes.
Comment: In silico analysis supports that this missense variant has a deleterious effect on protein structure/function; Has not been previously published as pathogenic or benign to our knowledge